The following is an entry in ClinVar:

ClinVar aggregate classification (germline): Uncertain significance. Review status: criteria provided, multiple submitters, no conflicts (2 of 4 stars). 3 submissions from 3 submitters: Uncertain significance (3). Last evaluated 2025-07-22.

Conditions:
Hereditary cancer-predisposing syndrome. Also called: Hereditary Cancer Syndrome; Hereditary neoplastic syndrome; Neoplastic Syndromes, Hereditary; Tumor predisposition. Identifiers: Orphanet 140162, MedGen C0027672, MeSH D009386, MONDO:0015356.
Isolated focal cortical dysplasia type II (FCORD2). Also called: CORTICAL DYSPLASIA OF TAYLOR; Focal cortical dysplasia type II. Identifiers: Orphanet 268994, MedGen C1846385, MONDO:0011818, OMIM 607341, HP:0032051.
Tuberous sclerosis 2 (TSC2). Identifiers: Orphanet 805, MedGen C1860707, MONDO:0013199, OMIM 613254.

gnomAD v4.1: 1 of 1,612,896 alleles (0.000062%); no homozygotes.

Submissions (3):

Labcorp Genetics (formerly Invitae), Labcorp
Classification: Uncertain significance for Tuberous sclerosis 2. Last evaluated: 2025-07-22. Review status: criteria provided, single submitter. Criteria: Invitae Variant Classification Sherloc (09022015). Collection method: clinical testing. Allele origin: germline.
Comment: This sequence change replaces glutamic acid, which is acidic and polar, with lysine, which is basic and polar, at codon 1213 of the TSC2 protein (p.Glu1213Lys). This variant is not present in population databases (gnomAD no frequency). This variant has not been reported in the literature in individuals affected with TSC2-related conditions. ClinVar contains an entry for this variant (Variation ID: 2990275). Invitae Evidence Modeling of protein sequence and biophysical properties (such as structural, functional, and spatial information, amino acid conservation, physicochemical variation, residue mobility, and thermodynamic stability) indicates that this missense variant is not expected to disrupt TSC2 protein function with a negative predictive value of 95%. In summary, the available evidence is currently insufficient to determine the role of this variant in disease. Therefore, it has been classified as a Variant of Uncertain Significance.

Baylor Genetics
Classification: Uncertain significance for Isolated focal cortical dysplasia type II. Last evaluated: 2024-02-13. Review status: criteria provided, single submitter. Criteria: ACMG Guidelines, 2015. Collection method: clinical testing. Allele origin: unknown.

Ambry Genetics
Classification: Uncertain significance for Hereditary cancer-predisposing syndrome. Last evaluated: 2023-12-05. Review status: criteria provided, single submitter. Criteria: Ambry Variant Classification Scheme 2023. Collection method: clinical testing. Allele origin: germline.
Comment: The p.E1213K variant (also known as c.3637G>A), located in coding exon 30 of the TSC2 gene, results from a G to A substitution at nucleotide position 3637. The glutamic acid at codon 1213 is replaced by lysine, an amino acid with similar properties. This amino acid position is highly conserved in available vertebrate species. In addition, this alteration is predicted to be deleterious by in silico analysis. Since supporting evidence is limited at this time, the clinical significance of this alteration remains unclear.

NM_000548.5(TSC2):c.3637G>A (p.Glu1213Lys)

Gene: TSC2 (TSC complex subunit 2; plus strand). Cytogenetic location: 16p13.3.
Variant type: single nucleotide variant.
Coding change: c.3637G>A on transcript NM_000548.5 (MANE Select); coding-DNA position 3637, G replaced by A.
Protein change: p.Glu1213Lys; replaces glutamic acid 1213 with lysine.
Molecular consequence: missense variant. On other transcripts: non-coding transcript variant (5).
Genome position (GRCh38, 1-based): chr16:2,081,621, G>A. VCF-style: chr16-2081621-G-A. GRCh37 (hg19) VCF-style: chr16-2131622-G-A.
Other names: c.3505G>A, p.Glu1169Lys (NM_001077183.3, NM_001370404.1, NM_001406665.1); c.3637G>A, p.Glu1213Lys (NM_001114382.3); c.3397G>A, p.Glu1133Lys (NM_001318827.2); c.3361G>A, p.Glu1121Lys (NM_001318829.2); c.2905G>A, p.Glu969Lys (NM_001318831.2, NM_001406687.1, NM_001406688.1); c.3538G>A, p.Glu1180Lys (NM_001318832.2); c.3508G>A, p.Glu1170Lys (NM_001363528.2, NM_001370405.1, NM_021055.3); c.3634G>A, p.Glu1212Lys (NM_001406663.1, NM_001406664.1); and 18 more; short protein forms E1012K, E1120K, E1132K, E1133K, E1150K, E1165K, E1180K, E1200K.
Identifiers: ClinVar variation 2990275 (VCV002990275.5), dbSNP rs2544153409, ClinGen allele CA394291791.